The following is an entry in ClinVar:

NM_005560.6(LAMA5):c.7223G>A (p.Arg2408His)

Gene: LAMA5 (laminin subunit alpha 5; minus strand). Cytogenetic location: 20q13.33.
Variant type: single nucleotide variant.
Coding change: c.7223G>A on transcript NM_005560.6 (MANE Select); coding-DNA position 7223, G replaced by A.
Protein change: p.Arg2408His; replaces arginine 2408 with histidine.
Molecular consequence: missense variant.
Genome position (GRCh38, 1-based): chr20:62,318,470, C>T on the plus strand (G>A on the coding strand, the complement: LAMA5 is on the minus strand). VCF-style: chr20-62318470-C-T. GRCh37 (hg19) VCF-style: chr20-60893526-C-T.
Other names: short protein forms R2408H.
Identifiers: ClinVar variation 2075900 (VCV002075900.1), dbSNP rs575134003, ClinGen allele CA9941367.
Genomic context (GRCh38, chr20:62,318,470, plus strand): 5'-GGCGGGAAGAGGAGCAGGAGGAAGAACAAGTCCGGGGTCCTCACCAGGGCTTCCTCCAGG[C>T]GCTCCTGGTTGCGGCTGTTGAGCTCCTGGGCCTCCCGTGTGGCGTCCACTGCCCGGTTCA-3'
Protein context (NP_005551.3, residues 2398-2418): AQELNSRNQE[Arg2408His]LEEALQRKQE

ClinVar aggregate classification (germline): Uncertain significance (1 of 4 stars; one submission).

Allele frequency attached by ClinVar (database versions not stated): gnomAD 0.00007; 1000 Genomes Project 30x 0.00016; 1000 Genomes Project 0.00020.
gnomAD v4.1: 147 of 1,599,046 alleles (0.0092%); highest among the groups gnomAD compares: East Asian, 0.013%; no homozygotes.

Submission:

Labcorp Genetics (formerly Invitae), Labcorp
Classification: Uncertain significance. Last evaluated: 2022-03-13. Review status: criteria provided, single submitter. Criteria: Invitae Variant Classification Sherloc (09022015). Collection method: clinical testing. Allele origin: germline.
Comment: This sequence change replaces arginine, which is basic and polar, with histidine, which is basic and polar, at codon 2408 of the LAMA5 protein (p.Arg2408His). This variant is present in population databases (rs575134003, gnomAD 0.02%). This variant has not been reported in the literature in individuals affected with LAMA5-related conditions. Algorithms developed to predict the effect of missense changes on protein structure and function output the following: SIFT: "Tolerated"; PolyPhen-2: "Benign"; Align-GVGD: "Class C0". The histidine amino acid residue is found in multiple mammalian species, which suggests that this missense change does not adversely affect protein function. In summary, the available evidence is currently insufficient to determine the role of this variant in disease. Therefore, it has been classified as a Variant of Uncertain Significance.